The following is an entry in ClinVar:

ClinVar aggregate classification (germline): Uncertain significance (1 of 4 stars; one submission).

Conditions:
PLXNA2-related disorder. Also called: PLXNA2-related condition.

Submission:

PreventionGenetics, part of Exact Sciences
Classification: Uncertain significance for PLXNA2-related condition. Last evaluated: 2026-01-26. Review status: criteria provided, single submitter. Criteria: ACMG Guidelines, 2015. Collection method: clinical testing. Allele origin: germline.
Comment: The PLXNA2 c.2032C>T variant is predicted to result in the amino acid substitution p.Arg678Cys. To our knowledge, this variant has not been reported in the literature. This variant is reported in 0.0033% of alleles in individuals of South Asian descent in gnomAD. At this time, the clinical significance of this variant is uncertain due to the absence of conclusive functional and genetic evidence.

NM_025179.4(PLXNA2):c.2032C>T (p.Arg678Cys)

Gene: PLXNA2 (plexin A2; minus strand). Cytogenetic location: 1q32.2.
Variant type: single nucleotide variant.
Coding change: c.2032C>T on transcript NM_025179.4 (MANE Select); coding-DNA position 2032, C replaced by T.
Protein change: p.Arg678Cys; replaces arginine 678 with cysteine.
Molecular consequence: missense variant.
Genome position (GRCh38, 1-based): chr1:208,092,851, G>A on the plus strand (C>T on the coding strand, the complement: PLXNA2 is on the minus strand). VCF-style: chr1-208092851-G-A. GRCh37 (hg19) VCF-style: chr1-208266196-G-A.
Other names: short protein forms R678C.
Identifiers: ClinVar variation 4978630 (VCV004978630.1).
Genomic context (GRCh38, chr1:208,092,851, plus strand): 5'-AAATATTGATCCGGCCCTCCTGGAAGGAGCAGGTGGTGGGGTCATGAGTGCAGAGGTTGC[G>A]GTACTTGCACCAATGGCAGCGGAAGGCGCTGTTGACACAGGACAGGCACCTGCAAGGACA-3'
Protein context (NP_079455.3, residues 668-688): SAFRCHWCKY[Arg678Cys]NLCTHDPTTC